The following is an entry in ClinVar:

ClinVar aggregate classification (germline): Uncertain significance (1 of 4 stars; one submission).

Conditions:
Hypohidrotic X-linked ectodermal dysplasia (XHED). Also called: ECTODERMAL DYSPLASIA, HYPOHIDROTIC, 1; CST SYNDROME; Ectodermal Dysplasia 1, Anhidrotic; Anhidrotic ectodermal dysplasia X-linked; Christ Siemens Touraine syndrome; ECTODERMAL DYSPLASIA 1, HYPOHIDROTIC/HAIR/TOOTH TYPE, X-LINKED. Identifiers: Orphanet 181, Orphanet 238468, MedGen C0162359, MONDO:0010585, OMIM 305100.

Allele frequency attached by ClinVar (database versions not stated): TOPMed below 0.00001; gnomAD exomes 0.00002.
gnomAD v4.1: 19 of 1,188,545 alleles (0.0016%); highest among the groups gnomAD compares: Non-Finnish European, 0.0021%; no homozygotes.

Submission:

Laboratorio de Genetica e Diagnostico Molecular, Hospital Israelita Albert Einstein
Classification: Uncertain significance for Hypohidrotic X-linked ectodermal dysplasia. Last evaluated: 2022-11-19. Review status: criteria provided, single submitter. Criteria: ACMG Guidelines, 2015. Collection method: clinical testing. Allele origin: germline. Affected: yes. Observed: 1 variant allele.
Comment: ACMG classification criteria: PM2 moderated, BP4 supporting

NM_001399.5(EDA):c.634A>G (p.Thr212Ala)

Gene: EDA (ectodysplasin A; plus strand). Cytogenetic location: Xq13.1.
Variant type: single nucleotide variant.
Coding change: c.634A>G on transcript NM_001399.5 (MANE Select); coding-DNA position 634, A replaced by G.
Protein change: p.Thr212Ala; replaces threonine 212 with alanine.
Molecular consequence: missense variant.
Genome position (GRCh38, 1-based): chrX:70,027,964, A>G. VCF-style: chrX-70027964-A-G. GRCh37 (hg19) VCF-style: chrX-69247814-A-G.
Other names: c.634A>G, p.Thr212Ala (NM_001005609.2, NM_001005612.3); short protein forms T212A.
Identifiers: ClinVar variation 2431955 (VCV002431955.1), dbSNP rs1320757154, ClinGen allele CA413448391.
Genomic context (GRCh38, chrX:70,027,964, plus strand): 5'-GGACCTCCAGGACCCCAGGGACCCCCAGGAATTCCAGGGATTCCTGGAATTCCAGGAACA[A>G]CTGTTATGGGACCACCTGGTCCTCCAGGTCCTCCTGGTCCTCAAGGACCCCCTGGCCTCC-3'
Protein context (NP_001390.1, residues 202-222): IPGIPGIPGT[Thr212Ala]VMGPPGPPGP